The following is an entry in ClinVar:

NM_001242896.3(DEPDC5):c.3805+10G>A

Gene: DEPDC5 (DEP domain containing 5, GATOR1 subcomplex subunit; plus strand). Cytogenetic location: 22q12.3.
Variant type: single nucleotide variant.
Coding change: c.3805+10G>A on transcript NM_001242896.3 (MANE Select); 10 bases into the intron after coding-DNA position 3805, G replaced by A.
Molecular consequence: intron variant.
Genome position (GRCh38, 1-based): chr22:31,876,275, G>A. VCF-style: chr22-31876275-G-A. GRCh37 (hg19) VCF-style: chr22-32272261-G-A.
Other names: c.3805+10G>A (NM_001364318.2); c.3778+10G>A (NM_001136029.4); c.3712+10G>A (NM_014662.6, NM_001369903.1); c.3739+10G>A (NM_001363852.2, NM_001364320.2); c.3571+10G>A (NM_001363854.2, NM_001364319.2); c.3505+10G>A (NM_001242897.2); c.3721+10G>A (NM_001369902.1, NM_001369901.1).
Identifiers: ClinVar variation 414464 (VCV000414464.15), dbSNP rs201608608, ClinGen allele CA10197092.

ClinVar aggregate classification (germline): Likely benign. Review status: criteria provided, multiple submitters, no conflicts (2 of 4 stars). 3 submissions from 3 submitters: Likely benign (2). 1 of the submissions does not count toward it. Last evaluated 2026-01-28.

Conditions:
DEPDC5-related disorder. Also called: DEPDC5-related condition; DEPDC5-related related disorder.
Familial focal epilepsy with variable foci (FPEVF). Identifiers: Orphanet 98820, MedGen C1858477, MONDO:0020310.

Allele frequency attached by ClinVar (database versions not stated): 1000 Genomes Project 30x 0.00031; ESP Exome Variant Server 0.00033; TOPMed 0.00037; gnomAD 0.00039 and 0.00041; 1000 Genomes Project 0.00040.
gnomAD v4.1: 105 of 1,611,038 alleles (0.0065%); highest among the groups gnomAD compares: African/African-American, 0.1%; no homozygotes.

Submissions (3):

Labcorp Genetics (formerly Invitae), Labcorp
Classification: Likely benign for Familial focal epilepsy with variable foci. Last evaluated: 2026-01-28. Review status: criteria provided, single submitter. Criteria: Invitae Variant Classification Sherloc (09022015). Collection method: clinical testing. Allele origin: germline.

Blueprint Genetics
Classification: Likely benign. Last evaluated: 2023-02-14. Review status: criteria provided, single submitter. Criteria: ACMG Guidelines, 2015. Collection method: clinical testing. Allele origin: germline.

PreventionGenetics, part of Exact Sciences
Classification: Likely benign for DEPDC5-related condition. Last evaluated: 2021-02-22. Review status: no assertion criteria provided. Collection method: clinical testing. Allele origin: germline. Not counted in ClinVar's aggregate classification.
Comment: This variant is classified as likely benign based on ACMG/AMP sequence variant interpretation guidelines (Richards et al. 2015 PMID: 25741868, with internal and published modifications).